The following is an entry in ClinVar:

ClinVar aggregate classification (germline): Pathogenic. Review status: reviewed by expert panel (3 of 4 stars). 3 submissions from 2 submitters: Pathogenic (1). 2 of the submissions do not count toward it. Last evaluated 2020-05-22.

Conditions:
Phenylketonuria (PKU). Also called: Phenylketonuria (PKU); FOLLING DISEASE; OLIGOPHRENIA PHENYLPYRUVICA; Phenylketonurias. Identifiers: Orphanet 716, MedGen C0031485, MONDO:0009861, OMIM 261600. Disease mechanism: loss of function.

Submissions (3):

ClinGen PAH Variant Curation Expert Panel
Classification: Pathogenic for Phenylketonuria. Last evaluated: 2020-05-22. Review status: reviewed by expert panel. Criteria: ClinGen PAH ACMG Specifications v1. Collection method: curation. Allele origin: germline. Inheritance: Autosomal recessive inheritance.
Comment: The c.443_509+1del (p.Ex5del) variant in PAH is a deletion of exon 5 and is predicted to lead to a frameshift at His170, premature protein truncation, and NMD (PVS1). It is absent from ethnically diverse control databases, including gnomAD (structural variant version, gnomAD SVs v2.1) (PM2). It has been previously reported in one patient with PKU (BH4 deficiency excluded by sequencing of the genes in the BH4 cofactor metabolism pathway) (PP4_Moderate) (PMID: 23942198) in presumed trans with the p.G332R variant (unclassified/VUS). It is also noted in ClinVar (ID 102681) without a classification. Classification: Pathogenic Supporting Criteria: PVS1; PM2; PP4_Moderate

DeBelle Laboratory for Biochemical Genetics, MUHC/MCH RESEARCH INSTITUTE
No classification provided. Review status: no classification provided. Collection method: not provided. Allele origin: not provided. Not counted in ClinVar's aggregate classification.

DeBelle Laboratory for Biochemical Genetics, MUHC/MCH RESEARCH INSTITUTE
No classification provided. Review status: flagged submission. Collection method: not provided. Allele origin: not provided. Not counted in ClinVar's aggregate classification.
ClinVar note: Reason: This record appears to be redundant with a more recent record from the same submitter.
ClinVar note: Notes: SCV000119528 appears to be redundant with SCV000119529.

NM_000277.3(PAH):c.443_509+1del

Gene: PAH (phenylalanine hydroxylase; minus strand). Cytogenetic location: 12q23.2.
Variant type: Deletion.
Coding change: c.443_509+1del on transcript NM_000277.3 (MANE Select); coding-DNA position 443 through the canonical splice donor site of the intron after coding-DNA position 509, 68 bases deleted.
Molecular consequence: splice donor variant.
Genome position (GRCh38, 1-based): chr12:102,866,595-102,866,662, 68 bases deleted. GRCh37 (hg19): chr12:103,260,374-103,260,441.
Other names: c.443_509+1del (NM_001354304.2).
Identifiers: ClinVar variation 102681 (VCV000102681.2), dbSNP rs199475649, ClinGen allele CA229552.